The following is an entry in ClinVar:

ClinVar aggregate classification (germline): Uncertain significance. Review status: criteria provided, multiple submitters, no conflicts (2 of 4 stars). 2 submissions from 2 submitters: Uncertain significance (2). Last evaluated 2022-06-25.

Conditions:
Isolated microphthalmia 5. Also called: Posterior Microphthalmia with Retinitis Pigmentosa, Foveoschisis, and Optic Disc Drusen. Identifiers: Orphanet 251279, MedGen C1970236, MONDO:0012605, OMIM 611040.

Allele frequency attached by ClinVar (database versions not stated): gnomAD exomes 0.00001 and 0.00002; gnomAD 0.00005; ExAC 0.00002; TOPMed 0.00003.
gnomAD v4.1: 28 of 1,612,426 alleles (0.0017%); highest among the groups gnomAD compares: Non-Finnish European, 0.00051%; no homozygotes.

Submissions (2):

Labcorp Genetics (formerly Invitae), Labcorp
Classification: Uncertain significance for Isolated microphthalmia 5. Last evaluated: 2022-06-25. Review status: criteria provided, single submitter. Criteria: Invitae Variant Classification Sherloc (09022015). Collection method: clinical testing. Allele origin: germline.
Comment: In summary, the available evidence is currently insufficient to determine the role of this variant in disease. Therefore, it has been classified as a Variant of Uncertain Significance. Algorithms developed to predict the effect of missense changes on protein structure and function are either unavailable or do not agree on the potential impact of this missense change (SIFT: "Tolerated"; PolyPhen-2: "Possibly Damaging"; Align-GVGD: "Class C0"). ClinVar contains an entry for this variant (Variation ID: 1037670). This variant has not been reported in the literature in individuals affected with MFRP-related conditions. This variant is present in population databases (rs762968896, gnomAD 0.06%). This sequence change replaces histidine, which is basic and polar, with tyrosine, which is neutral and polar, at codon 247 of the MFRP protein (p.His247Tyr).

Blueprint Genetics
Classification: Uncertain significance. Last evaluated: 2021-12-10. Review status: criteria provided, single submitter. Criteria: ACMG Guidelines, 2015. Collection method: clinical testing. Allele origin: germline.

NM_031433.4(MFRP):c.739C>T (p.His247Tyr)

Genes: C1QTNF5 (C1q and TNF related 5; minus strand), MFRP (membrane frizzled-related protein; minus strand). Cytogenetic location: 11q23.3.
Variant type: single nucleotide variant.
Coding change: c.739C>T on transcript NM_031433.4 (MANE Select); coding-DNA position 739, C replaced by T.
Protein change: p.His247Tyr; replaces histidine 247 with tyrosine.
Molecular consequence: missense variant. On other transcripts: 5 prime UTR variant (1).
Genome position (GRCh38, 1-based): chr11:119,344,907, G>A on the plus strand (C>T on the coding strand, the complement: MFRP is on the minus strand). VCF-style: chr11-119344907-G-A. GRCh37 (hg19) VCF-style: chr11-119215617-G-A.
Other names: c.-1898C>T (NM_015645.5); short protein forms H247Y.
Identifiers: ClinVar variation 1037670 (VCV001037670.10), dbSNP rs762968896, ClinGen allele CA6320433.